The following is an entry in ClinVar:

ClinVar aggregate classification (germline): Uncertain significance (1 of 4 stars; one submission).

Conditions:
Hereditary cancer-predisposing syndrome. Also called: Tumor predisposition; Hereditary Cancer Syndrome; Neoplastic Syndromes, Hereditary; Hereditary neoplastic syndrome. Identifiers: Orphanet 140162, MedGen C0027672, MeSH D009386, MONDO:0015356.

Submission:

Ambry Genetics
Classification: Uncertain significance for Hereditary cancer-predisposing syndrome. Last evaluated: 2019-11-12. Review status: criteria provided, single submitter. Criteria: Ambry Variant Classification Scheme 2023. Collection method: clinical testing. Allele origin: germline.
Comment: The c.2824-5A>G intronic variant results from an A to G substitution 5 nucleotides upstream from coding exon 14 in the BLM gene. This nucleotide position is not well conserved in available vertebrate species. In silico splice site analysis predicts that this alteration will not have any significant effect on splicing. Since supporting evidence is limited at this time, the clinical significance of this alteration remains unclear.

NM_000057.4(BLM):c.2824-5A>G

Gene: BLM (BLM RecQ like helicase; plus strand). Cytogenetic location: 15q26.1.
Variant type: single nucleotide variant.
Coding change: c.2824-5A>G on transcript NM_000057.4 (MANE Select); 5 bases into the intron before coding-DNA position 2824, A replaced by G.
Molecular consequence: intron variant.
Genome position (GRCh38, 1-based): chr15:90,790,644, A>G. VCF-style: chr15-90790644-A-G. GRCh37 (hg19) VCF-style: chr15-91333874-A-G.
Other names: c.2824-5A>G (NM_001287246.2, NM_001287247.2); c.1699-5A>G (NM_001287248.2).
Identifiers: ClinVar variation 1796480 (VCV001796480.2), dbSNP rs2505515808, ClinGen allele CA2580090261.